The following is an entry in ClinVar:

ClinVar aggregate classification (germline): Uncertain significance (1 of 4 stars; one submission).

Conditions:
Agammaglobulinemia 2, autosomal recessive (AGM2). Also called: AGAMMAGLOBULINEMIA, AUTOSOMAL RECESSIVE, DUE TO IGLL1 DEFECT. Identifiers: MedGen C3150750, MONDO:0013287, OMIM 613500.

Allele frequency attached by ClinVar (database versions not stated): TOPMed 0.00001; gnomAD 0.00001.
gnomAD v4.1: 2 of 1,577,146 alleles (0.00013%); highest among the groups gnomAD compares: Non-Finnish European, 0.00017%; no homozygotes.

Submission:

Labcorp Genetics (formerly Invitae), Labcorp
Classification: Uncertain significance for Agammaglobulinemia 2, autosomal recessive. Last evaluated: 2025-09-15. Review status: criteria provided, single submitter. Criteria: Invitae Variant Classification Sherloc (09022015). Collection method: clinical testing. Allele origin: germline.
Comment: This sequence change replaces leucine, which is neutral and non-polar, with proline, which is neutral and non-polar, at codon 50 of the IGLL1 protein (p.Leu50Pro). This variant is not present in population databases (gnomAD no frequency). This variant has not been reported in the literature in individuals affected with IGLL1-related conditions. ClinVar contains an entry for this variant (Variation ID: 1373710). An algorithm developed to predict the effect of missense changes on protein structure and function outputs the following: PolyPhen-2: "Benign". The proline amino acid residue is found in multiple mammalian species, which suggests that this missense change does not adversely affect protein function. In summary, the available evidence is currently insufficient to determine the role of this variant in disease. Therefore, it has been classified as a Variant of Uncertain Significance.

NM_020070.4(IGLL1):c.149T>C (p.Leu50Pro)

Gene: IGLL1 (immunoglobulin lambda like polypeptide 1; minus strand). Cytogenetic location: 22q11.23.
Variant type: single nucleotide variant.
Coding change: c.149T>C on transcript NM_020070.4 (MANE Select); coding-DNA position 149, T replaced by C.
Protein change: p.Leu50Pro; replaces leucine 50 with proline.
Molecular consequence: missense variant.
Genome position (GRCh38, 1-based): chr22:23,580,042, A>G on the plus strand (T>C on the coding strand, the complement: IGLL1 is on the minus strand). VCF-style: chr22-23580042-A-G. GRCh37 (hg19) VCF-style: chr22-23922229-A-G.
Other names: c.149T>C, p.Leu50Pro (NM_001369906.1, NM_152855.3); short protein forms L50P.
Identifiers: ClinVar variation 1373710 (VCV001373710.6), dbSNP rs1211188168, ClinGen allele CA410899393.